The following is an entry in ClinVar:

ClinVar aggregate classification (germline): Uncertain significance (1 of 4 stars; one submission).

Conditions:
Cardiovascular phenotype. Identifiers: MedGen CN230736.

Submission:

Ambry Genetics
Classification: Uncertain significance for Cardiovascular phenotype. Last evaluated: 2026-04-22. Review status: criteria provided, single submitter. Criteria: Ambry Variant Classification Scheme 2023. Collection method: clinical testing. Allele origin: germline.
Comment: The p.V629M variant (also known as c.1885G>A), located in coding exon 15 of the ENG gene, results from a G to A substitution at nucleotide position 1885. The valine at codon 629 is replaced by methionine, an amino acid with highly similar properties. This amino acid position is conserved. In addition, this alteration is predicted to be tolerated by in silico analysis. Based on the available evidence, the clinical significance of this variant remains unclear.

NM_001114753.3(ENG):c.1885G>A (p.Val629Met)

Gene: ENG (endoglin; minus strand). Cytogenetic location: 9q34.11.
Variant type: single nucleotide variant.
Coding change: c.1885G>A on transcript NM_001114753.3 (MANE Select); coding-DNA position 1885, G replaced by A.
Protein change: p.Val629Met; replaces valine 629 with methionine.
Molecular consequence: missense variant. On other transcripts: 3 prime UTR variant (1).
Genome position (GRCh38, 1-based): chr9:127,815,774, C>T on the plus strand (G>A on the coding strand, the complement: ENG is on the minus strand). VCF-style: chr9-127815774-C-T. GRCh37 (hg19) VCF-style: chr9-130578053-C-T.
Other names: c.*143G>A (NM_000118.4); c.1339G>A, p.Val447Met (NM_001278138.2); short protein forms V447M, V629M.
Identifiers: ClinVar variation 4870456 (VCV004870456.1).